The following is an entry in ClinVar:

NM_001206744.2(TPO):c.2059G>T (p.Glu687Ter)

Genes: LALTOP (lung cancer associated lncRNA targeting TOP2A; minus strand), TPO (thyroid peroxidase; plus strand). Cytogenetic location: 2p25.3.
Variant type: single nucleotide variant.
Coding change: c.2059G>T on transcript NM_001206744.2 (MANE Select); coding-DNA position 2059, G replaced by T.
Protein change: p.Glu687Ter; replaces glutamic acid 687 with a stop codon.
Molecular consequence: nonsense.
Genome position (GRCh38, 1-based): chr2:1,496,041, G>T. VCF-style: chr2-1496041-G-T. GRCh37 (hg19) VCF-style: chr2-1499813-G-T.
Other names: c.2059G>T, p.Glu687Ter (NM_000547.6, NM_175721.3); c.1888G>T, p.Glu630Ter (NM_001206745.2, NM_175719.4); c.1540G>T, p.Glu514Ter (NM_175722.3); short protein forms E514*, E687*, E630*.
Identifiers: ClinVar variation 2734131 (VCV002734131.3), dbSNP rs2546271493, ClinGen allele CA345697826.

ClinVar aggregate classification (germline): Pathogenic (1 of 4 stars; one submission).

Allele frequency attached by ClinVar (database versions not stated): gnomAD exomes below 0.00001.
gnomAD v4.1: 2 of 1,613,838 alleles (0.00012%); highest among the groups gnomAD compares: South Asian, 0.0011%; no homozygotes.

Submission:

Labcorp Genetics (formerly Invitae), Labcorp
Classification: Pathogenic. Last evaluated: 2023-04-06. Review status: criteria provided, single submitter. Criteria: Invitae Variant Classification Sherloc (09022015). Collection method: clinical testing. Allele origin: germline.
Comment: This premature translational stop signal has been observed in individual(s) with clinical features of TPO-related conditions (PMID: 12490071). This sequence change creates a premature translational stop signal (p.Glu687*) in the TPO gene. It is expected to result in an absent or disrupted protein product. Loss-of-function variants in TPO are known to be pathogenic (PMID: 11061528, 23236987, 25564141). This variant is not present in population databases (gnomAD no frequency). This variant is also known as Glu -> Stop at codon 687. For these reasons, this variant has been classified as Pathogenic.

Literature cited by the submitters: PubMed 12490071; PubMed 11061528; PubMed 23236987; PubMed 25564141.